The following is an entry in ClinVar:

NM_020337.3(ANKRD50):c.1701G>A (p.Arg567=)

Gene: ANKRD50 (ankyrin repeat domain 50; minus strand). Cytogenetic location: 4q28.1.
Variant type: single nucleotide variant.
Coding change: c.1701G>A on transcript NM_020337.3 (MANE Select); coding-DNA position 1701, G replaced by A.
Protein change: p.Arg567=; no amino-acid change (arginine 567 retained).
Molecular consequence: synonymous variant.
Genome position (GRCh38, 1-based): chr4:124,671,576, C>T on the plus strand (G>A on the coding strand, the complement: ANKRD50 is on the minus strand). VCF-style: chr4-124671576-C-T. GRCh37 (hg19) VCF-style: chr4-125592731-C-T.
Other names: c.1164G>A, p.Arg388= (NM_001167882.2).
Identifiers: ClinVar variation 2655074 (VCV002655074.24), dbSNP rs138695266, ClinGen allele CA3071422.

ClinVar aggregate classification (germline): Likely benign (1 of 4 stars; one submission).

Allele frequency attached by ClinVar (database versions not stated): ESP Exome Variant Server 0.00008; gnomAD 0.00013; TOPMed 0.00019.

Submission:

CeGaT Center for Human Genetics Tuebingen
Classification: Likely benign. Last evaluated: 2022-09-01. Review status: criteria provided, single submitter. Criteria: CeGaT Center For Human Genetics Tuebingen Variant Classification Criteria Version 2. Collection method: clinical testing. Allele origin: germline. Affected: yes. Observed: 1 variant allele.
Comment: ANKRD50: BP4, BP7